The following is an entry in ClinVar:

NM_001458.5(FLNC):c.3344G>A (p.Gly1115Asp)

Gene: FLNC (filamin C; plus strand). Cytogenetic location: 7q32.1.
Variant type: single nucleotide variant.
Coding change: c.3344G>A on transcript NM_001458.5 (MANE Select); coding-DNA position 3344, G replaced by A.
Protein change: p.Gly1115Asp; replaces glycine 1115 with aspartic acid.
Molecular consequence: missense variant.
Genome position (GRCh38, 1-based): chr7:128,844,809, G>A. VCF-style: chr7-128844809-G-A. GRCh37 (hg19) VCF-style: chr7-128484863-G-A.
Other names: c.3344G>A, p.Gly1115Asp (NM_001127487.2); short protein forms G1115D.
Identifiers: ClinVar variation 1377364 (VCV001377364.6), dbSNP rs2128936401, ClinGen allele CA369196562.

ClinVar aggregate classification (germline): Uncertain significance (1 of 4 stars; one submission).

Conditions:
Myofibrillar myopathy 5. Also called: Filaminopathy (type); FILAMINOPATHY, AUTOSOMAL DOMINANT. Identifiers: Orphanet 171445, MedGen C1836050, MONDO:0012289, OMIM 609524.
Distal myopathy with posterior leg and anterior hand involvement. Also called: WILLIAMS DISTAL MYOPATHY. Identifiers: Orphanet 63273, MedGen C3279722, MONDO:0013550, OMIM 614065.
Hypertrophic cardiomyopathy 26. Also called: Cardiomyopathy, familial hypertrophic, 26. Identifiers: Orphanet 75249, MedGen C4310749, MONDO:0014883, OMIM 617047.

Submission:

Labcorp Genetics (formerly Invitae), Labcorp
Classification: Uncertain significance for Distal myopathy with posterior leg and anterior hand involvement; Myofibrillar myopathy 5; Hypertrophic cardiomyopathy 26. Last evaluated: 2021-08-24. Review status: criteria provided, single submitter. Criteria: Invitae Variant Classification Sherloc (09022015). Collection method: clinical testing. Allele origin: germline.
Comment: In summary, the available evidence is currently insufficient to determine the role of this variant in disease. Therefore, it has been classified as a Variant of Uncertain Significance. Algorithms developed to predict the effect of missense changes on protein structure and function are either unavailable or do not agree on the potential impact of this missense change (SIFT: "Deleterious"; PolyPhen-2: "Probably Damaging"; Align-GVGD: "Class C0"). This variant has not been reported in the literature in individuals affected with FLNC-related conditions. This variant is not present in population databases (ExAC no frequency). This sequence change replaces glycine with aspartic acid at codon 1115 of the FLNC protein (p.Gly1115Asp). The glycine residue is moderately conserved and there is a moderate physicochemical difference between glycine and aspartic acid.